The following is an entry in ClinVar:

NM_007294.4(BRCA1):c.5075-8T>G

Gene: BRCA1 (BRCA1 DNA repair associated; minus strand). Cytogenetic location: 17q21.31.
Variant type: single nucleotide variant.
Coding change: c.5075-8T>G on transcript NM_007294.4 (MANE Select); 8 bases into the intron before coding-DNA position 5075, T replaced by G.
Molecular consequence: intron variant.
Genome position (GRCh38, 1-based): chr17:43,063,959, A>C on the plus strand (T>G on the coding strand, the complement: BRCA1 is on the minus strand). VCF-style: chr17-43063959-A-C. GRCh37 (hg19) VCF-style: chr17-41215976-A-C.
Other names: c.1622-8T>G (NM_001408458.1, NM_001408461.1, NM_001408464.1 and 7 more transcripts); c.4184-8T>G (NM_001407967.1); c.4694-8T>G (NM_001407959.1); c.4808-8T>G (NM_001407931.1, NM_001407932.1, NM_001407928.1 and 4 more transcripts); c.4931-8T>G (NM_001407747.1, NM_001407745.1, NM_001407737.1 and 21 more transcripts); c.4691-8T>G (NM_001407962.1, NM_001407960.1); c.1262-8T>G (NM_001408512.1); c.1385-8T>G (NM_001408510.1); and 73 more.
Identifiers: ClinVar variation 55382 (VCV000055382.10), dbSNP rs397509221, ClinGen allele CA003214.

ClinVar aggregate classification (germline): Conflicting classifications of pathogenicity. Review status: criteria provided, conflicting classifications (1 of 4 stars). 3 submissions from 3 submitters: Pathogenic (1); Likely pathogenic (1); Uncertain significance (1). Last evaluated 2025-03-24.

Conditions:
Hereditary cancer-predisposing syndrome. Also called: Hereditary Cancer Syndrome; Hereditary neoplastic syndrome; Neoplastic Syndromes, Hereditary; Tumor predisposition. Identifiers: Orphanet 140162, MedGen C0027672, MeSH D009386, MONDO:0015356.
Hereditary breast ovarian cancer syndrome. Also called: BRCA1- and BRCA2-Associated Hereditary Breast and Ovarian Cancer; Hereditary breast and ovarian cancer syndrome; Hereditary breast and ovarian cancer syndrome (HBOC); Breast and ovarian cancer; Hereditary breast and/or ovarian cancer syndrome; Hereditary breast and ovarian cancer. Identifiers: Orphanet 145, MedGen C0677776, MeSH D061325, MONDO:0003582. Disease mechanism: loss of function.
Breast-ovarian cancer, familial, susceptibility to, 1 (BROVCA1). Also called: BRCA1 Hereditary Breast and Ovarian Cancer; OVARIAN CANCER, SUSCEPTIBILITY TO. Identifiers: Orphanet 145, MedGen C2676676, MONDO:0011450, OMIM 604370. Disease mechanism: loss of function.

Submissions (4):

Labcorp Genetics (formerly Invitae), Labcorp
Classification: Uncertain significance for Hereditary breast ovarian cancer syndrome. Last evaluated: 2025-03-24. Review status: criteria provided, single submitter. Criteria: Invitae Variant Classification Sherloc (09022015). Collection method: clinical testing. Allele origin: germline.
Comment: This sequence change falls in intron 16 of the BRCA1 gene. It does not directly change the encoded amino acid sequence of the BRCA1 protein. This variant is not present in population databases (gnomAD no frequency). This variant has not been reported in the literature in individuals affected with BRCA1-related conditions. ClinVar contains an entry for this variant (Variation ID: 55382). Algorithms developed to predict the effect of sequence changes on RNA splicing suggest that this variant may disrupt the consensus splice site. In summary, the available evidence is currently insufficient to determine the role of this variant in disease. Therefore, it has been classified as a Variant of Uncertain Significance.

Ambry Genetics
Classification: Likely pathogenic for Hereditary cancer-predisposing syndrome. Last evaluated: 2021-11-24. Review status: criteria provided, single submitter. Criteria: Ambry Variant Classification Scheme 2023. Collection method: clinical testing. Allele origin: germline.
Comment: The c.5075-8T>G intronic variant results from a T to G substitution 8 nucleotides upstream from coding exon 16 in the BRCA1 gene. One functional study found that this nucleotide substitution is non-functional in a high-throughput, genome editing, haploid cell survival assay (Findlay GM et al. Nature, 2018 10;562:217-222). Another functional study utilizing a LCL with puromycin assay found that this alteration caused a complete splicing defect (Houdayer C et al. Hum Mutat, 2012 Aug;33:1228-38). This variant is considered to be rare based on population cohorts in the Genome Aggregation Database (gnomAD). This nucleotide position is not well conserved in available vertebrate species. In silico splice site analysis predicts that this alteration will weaken the native splice acceptor site and will result in the creation or strengthening of a novel splice acceptor site. Based on the majority of available evidence to date, this variant is likely to be pathogenic.

Consortium of Investigators of Modifiers of BRCA1/2 (CIMBA), c/o University of Cambridge
Classification: Pathogenic for Breast-ovarian cancer, familial, susceptibility to, 1. Last evaluated: 2015-10-02. Review status: criteria provided, single submitter. Criteria: CIMBA Mutation Classification guidelines May 2016. Collection method: clinical testing. Allele origin: germline.

Brotman Baty Institute, University of Washington
No classification provided (evidence only). Condition: Breast-ovarian cancer, familial 1. Review status: no classification provided. Collection method: in vitro. Allele origin: not applicable. Functional consequence: functionally_abnormal. Not counted in ClinVar's aggregate classification.
ClinVar note: "not provided" was previously submitted as the classification for the variant. However, the classification appeared to be based only on an observation of functional data so it was converted to no classification on 2025-07-30.

Literature cited by the submitters: PubMed 22505045 (cited by Ambry Genetics); PubMed 30209399 (cited by Ambry Genetics).